The following is an entry in ClinVar:

ClinVar aggregate classification (germline): Pathogenic. Review status: criteria provided, single submitter (1 of 4 stars). 2 submissions from 2 submitters: Pathogenic (1). 1 of the submissions does not count toward it.

Conditions:
Autosomal recessive nonsyndromic hearing loss 4 (DFNB4). Also called: Deafness, autosomal recessive 4; FOXI1-Related Pendred Syndrome; KCNJ10-Related Pendred Syndrome; DEAFNESS, AUTOSOMAL RECESSIVE 4, WITH ENLARGED VESTIBULAR AQUEDUCT, DIGENIC; Deafness, autosomal recessive 4, with enlarged vestibular aqueduct; Enlarged vestibular aqueduct, digenic. Identifiers: Orphanet 90636, MedGen C3538946, MONDO:0010933, OMIM 600791.

Submissions (2):

Equipe Genetique des Anomalies du Developpement, Université de Bourgogne
Classification: Pathogenic for Autosomal recessive nonsyndromic hearing loss 4. Review status: criteria provided, single submitter. Criteria: ACMG Guidelines, 2015. Collection method: clinical testing. Allele origin: maternal. Affected: yes.
Comment: Compound heterozygous (other variant: PED8698.11)

National Institute of Sensory Organs, National Hospital Organization Tokyo Medical Center
Classification: Affects for Autosomal recessive nonsyndromic hearing loss 4. Last evaluated: 2019-08-20. Review status: no assertion criteria provided. Collection method: literature only, in vitro. Allele origin: germline. Inheritance: Autosomal recessive inheritance. Affected: yes. Functional consequence: loss_of_function_variant. Not counted in ClinVar's aggregate classification.
Comment: in vitro experiment

Literature cited by the submitters: PubMed 16570074 (cited by National Institute of Sensory Organs, National Hospital Organization Tokyo Medical Center); PubMed 27771369 (cited by National Institute of Sensory Organs, National Hospital Organization Tokyo Medical Center); PubMed 31599023 (cited by National Institute of Sensory Organs, National Hospital Organization Tokyo Medical Center).

NM_000441.2(SLC26A4):c.1262A>T (p.Gln421Leu)

Gene: SLC26A4 (solute carrier family 26 member 4; plus strand). Cytogenetic location: 7q22.3.
Variant type: single nucleotide variant.
Coding change: c.1262A>T on transcript NM_000441.2 (MANE Select); coding-DNA position 1262, A replaced by T.
Protein change: p.Gln421Leu; replaces glutamine 421 with leucine.
Molecular consequence: missense variant.
Genome position (GRCh38, 1-based): chr7:107,690,236, A>T. VCF-style: chr7-107690236-A-T. GRCh37 (hg19) VCF-style: chr7-107330681-A-T.
Other names: short protein forms Q421L.
Identifiers: ClinVar variation 691513 (VCV000691513.4), dbSNP rs201660407, ClinGen allele CA368839336.
Genomic context (GRCh38, chr7:107,690,236, plus strand): 5'-TTGTGGCCACCACTGCTCTTTCCCGCACGGCCGTCCAGGAGAGCACTGGAGGAAAGACAC[A>T]GGTAGGAACAACAGCCTTATGATATCCATCTCAGAGAACAAGTCGAGGAATGGCAACAGA-3'
Protein context (NP_000432.1, residues 411-431): AVQESTGGKT[Gln421Leu]VAGIISAAIV